The following is an entry in ClinVar:

NM_145285.3(NKX2-3):c.849A>C (p.Ala283=)

Gene: NKX2-3 (NK2 homeobox 3; plus strand). Cytogenetic location: 10q24.2.
Variant type: single nucleotide variant.
Coding change: c.849A>C on transcript NM_145285.3 (MANE Select); coding-DNA position 849, A replaced by C.
Protein change: p.Ala283=; no amino-acid change (alanine 283 retained).
Molecular consequence: synonymous variant.
Genome position (GRCh38, 1-based): chr10:99,535,475, A>C. VCF-style: chr10-99535475-A-C. GRCh37 (hg19) VCF-style: chr10-101295232-A-C.
Identifiers: ClinVar variation 3904966 (VCV003904966.10).

ClinVar aggregate classification (germline): Likely benign (1 of 4 stars; one submission).

Submission:

CeGaT Center for Human Genetics Tuebingen
Classification: Likely benign. Last evaluated: 2025-06-01. Review status: criteria provided, single submitter. Criteria: CeGaT Center For Human Genetics Tuebingen Variant Classification Criteria Version 2. Collection method: clinical testing. Allele origin: germline. Affected: yes. Observed: 1 variant allele.
Comment: NKX2-3: BP4, BP7